The following is an entry in ClinVar:

NM_007294.4(BRCA1):c.1765A>G (p.Ser589Gly)

Gene: BRCA1 (BRCA1 DNA repair associated; minus strand). Cytogenetic location: 17q21.31.
Variant type: single nucleotide variant.
Coding change: c.1765A>G on transcript NM_007294.4 (MANE Select); coding-DNA position 1765, A replaced by G.
Protein change: p.Ser589Gly; replaces serine 589 with glycine.
Molecular consequence: missense variant. On other transcripts: intron variant (137).
Genome position (GRCh38, 1-based): chr17:43,093,766, T>C on the plus strand (A>G on the coding strand, the complement: BRCA1 is on the minus strand). VCF-style: chr17-43093766-T-C. GRCh37 (hg19) VCF-style: chr17-41245783-T-C.
Other names: c.1552A>G, p.Ser518Gly (NM_001407571.1, NM_001407853.1, NM_001407894.1 and 9 more transcripts); c.1765A>G, p.Ser589Gly (NM_001407581.1, NM_001407582.1, NM_001407583.1 and 30 more transcripts); c.1762A>G, p.Ser588Gly (NM_001407587.1, NM_001407590.1, NM_001407591.1 and 22 more transcripts); c.1756A>G, p.Ser586Gly (NM_001407646.1, NM_001407647.1); c.1642A>G, p.Ser548Gly (NM_001407648.1, NM_001407664.1, NM_001407665.1 and 19 more transcripts); c.1639A>G, p.Ser547Gly (NM_001407649.1, NM_001407670.1, NM_001407685.1 and 11 more transcripts); c.1684A>G, p.Ser562Gly (NM_001407662.1, NM_001407659.1, NM_001407660.1 and 1 more transcripts); c.1687A>G, p.Ser563Gly (NM_001407663.1, NM_001407653.1, NM_001407654.1 and 4 more transcripts); and 40 more; short protein forms S521G, S522G, S542G, S501G, S541G, S547G, S562G, S563G.
Identifiers: ClinVar variation 1947263 (VCV001947263.9), dbSNP rs2154424891, ClinGen allele CA10598496.
Genomic context (GRCh38, chr17:43,093,766, plus strand): 5'-TCTTTTTAGGTGCTTTTGAATTGTGGATATTTAATTCGAGTTCCATATTGCTTATACTGC[T>C]GCTTATAGGTTCAGCTTTCGTTTTGAAAGCAGATTCTTTTTCGAGTGATTCTATTGGGTT-3'
Protein context (NP_009225.1, residues 579-599): AFKTKAEPIS[Ser589Gly]SISNMELELN

ClinVar aggregate classification (germline): Conflicting classifications of pathogenicity. Review status: criteria provided, conflicting classifications (1 of 4 stars). 3 submissions from 3 submitters: Uncertain significance (2); Likely benign (1). Last evaluated 2023-06-26.

Conditions:
Breast-ovarian cancer, familial, susceptibility to, 1 (BROVCA1). Also called: BRCA1 Hereditary Breast and Ovarian Cancer; OVARIAN CANCER, SUSCEPTIBILITY TO. Identifiers: Orphanet 145, MedGen C2676676, MONDO:0011450, OMIM 604370. Disease mechanism: loss of function.
Hereditary breast ovarian cancer syndrome. Also called: Hereditary breast and ovarian cancer; Hereditary breast and ovarian cancer syndrome (HBOC); Breast and ovarian cancer; Hereditary breast and/or ovarian cancer syndrome; Hereditary breast and ovarian cancer syndrome; BRCA1- and BRCA2-Associated Hereditary Breast and Ovarian Cancer. Identifiers: Orphanet 145, MedGen C0677776, MeSH D061325, MONDO:0003582. Disease mechanism: loss of function.
Hereditary cancer-predisposing syndrome. Also called: Tumor predisposition; Hereditary Cancer Syndrome; Hereditary neoplastic syndrome; Neoplastic Syndromes, Hereditary. Identifiers: Orphanet 140162, MedGen C0027672, MeSH D009386, MONDO:0015356.
Fanconi anemia, complementation group S (FANCS). Identifiers: MedGen C4554406, MONDO:0054748, OMIM 617883.

Allele frequency attached by ClinVar (database versions not stated): gnomAD exomes below 0.00001.
gnomAD v4.1: 4 of 1,613,988 alleles (0.00025%); highest among the groups gnomAD compares: Non-Finnish European, 0.00034%; no homozygotes.

Submissions (3):

All of Us Research Program, National Institutes of Health
Classification: Uncertain significance for Breast-ovarian cancer, familial, susceptibility to, 1. Last evaluated: 2023-06-26. Review status: criteria provided, single submitter. Criteria: ACMG Guidelines, 2015. Collection method: clinical testing. Allele origin: germline. Inheritance: Autosomal dominant inheritance. Observed: 1 variant allele, 1 heterozygote.
Comment: This missense variant replaces serine with glycine at codon 589 of the BRCA1 protein. Computational prediction suggests that this variant may not impact protein structure and function (internally defined REVEL score threshold <= 0.5, PMID: 27666373). To our knowledge, functional studies have not been reported for this variant. This variant has not been reported in individuals affected with BRCA1-related disorders in the literature. This variant has not been identified in the general population by the Genome Aggregation Database (gnomAD). The available evidence is insufficient to determine the role of this variant in disease conclusively. Therefore, this variant is classified as a Variant of Uncertain Significance.

This study involves interpretation of variants in research participants for the purpose of population health screening. Participant phenotype was not available at the time of variant classification. Additional details can be found in publication PMID: 35346344, PMCID: PMC8962531

University of Washington Department of Laboratory Medicine, University of Washington
Classification: Likely benign for Hereditary cancer-predisposing syndrome. Last evaluated: 2023-03-23. Review status: criteria provided, single submitter. Criteria: Dines et al. (Genet Med. 2020). Collection method: curation. Allele origin: germline.
Comment: Missense variant in a coldspot region where missense variants are very unlikely to be pathogenic (PMID:31911673).

BRCA1 coldspot (exon 11 using historical exon numbering). Reclassification based on statistical prior probability

Labcorp Genetics (formerly Invitae), Labcorp
Classification: Uncertain significance for Hereditary breast ovarian cancer syndrome. Last evaluated: 2022-09-20. Review status: criteria provided, single submitter. Criteria: Invitae Variant Classification Sherloc (09022015). Collection method: clinical testing. Allele origin: germline.
Comment: In summary, the available evidence is currently insufficient to determine the role of this variant in disease. Therefore, it has been classified as a Variant of Uncertain Significance. Advanced modeling of protein sequence and biophysical properties (such as structural, functional, and spatial information, amino acid conservation, physicochemical variation, residue mobility, and thermodynamic stability) performed at Invitae indicates that this missense variant is not expected to disrupt BRCA1 protein function. This variant has not been reported in the literature in individuals affected with BRCA1-related conditions. This variant is not present in population databases (gnomAD no frequency). This sequence change replaces serine, which is neutral and polar, with glycine, which is neutral and non-polar, at codon 589 of the BRCA1 protein (p.Ser589Gly).